The following is an entry in ClinVar:

NM_001035.3(RYR2):c.10096C>G (p.Leu3366Val)

Gene: RYR2 (ryanodine receptor 2; plus strand). Cytogenetic location: 1q43.
Variant type: single nucleotide variant.
Coding change: c.10096C>G on transcript NM_001035.3 (MANE Select); coding-DNA position 10096, C replaced by G.
Protein change: p.Leu3366Val; replaces leucine 3366 with valine.
Molecular consequence: missense variant.
Genome position (GRCh38, 1-based): chr1:237,709,052, C>G. VCF-style: chr1-237709052-C-G. GRCh37 (hg19) VCF-style: chr1-237872352-C-G.
Other names: short protein forms L3366V.
Identifiers: ClinVar variation 3071345 (VCV003071345.1), dbSNP rs377712921, ClinGen allele CA39793624.

ClinVar aggregate classification (germline): Uncertain significance (1 of 4 stars; one submission).

Conditions:
Catecholaminergic polymorphic ventricular tachycardia (CVPT). Also called: Catecholamine-induced polymorphic ventricular tachycardia. Identifiers: Orphanet 3286, MedGen C5574922, MONDO:0017990.

gnomAD v4.1: 1 of 1,607,882 alleles (0.000062%); highest among the groups gnomAD compares: Non-Finnish European, 0.000085%; no homozygotes.

Submission:

All of Us Research Program, National Institutes of Health
Classification: Uncertain significance for Catecholaminergic polymorphic ventricular tachycardia. Last evaluated: 2023-05-30. Review status: criteria provided, single submitter. Criteria: ACMG Guidelines, 2015. Collection method: clinical testing. Allele origin: germline. Inheritance: Autosomal dominant inheritance. Observed: 1 variant allele, 1 heterozygote.
Comment: This missense variant replaces leucine with valine at codon 3366 of the RYR2 protein. Computational prediction is inconclusive regarding the impact of this variant on protein structure and function (internally defined REVEL score threshold 0.5 < inconclusive < 0.7, PMID: 27666373). To our knowledge, functional studies have not been reported for this variant. This variant has not been reported in individuals affected with RYR2-related disorders in the literature. This variant has not been identified in the general population by the Genome Aggregation Database (gnomAD). The available evidence is insufficient to determine the role of this variant in disease conclusively. Therefore, this variant is classified as a Variant of Uncertain Significance.

This study involves interpretation of variants in research participants for the purpose of population health screening. Participant phenotype was not available at the time of variant classification. Additional details can be found in publication PMID: 35346344, PMCID: PMC8962531